The following is an entry in ClinVar:

ClinVar aggregate classification (germline): Uncertain significance (1 of 4 stars; one submission).

Conditions:
MHC class II deficiency. Also called: Bare lymphocyte syndrome 2; BLS, TYPE II. Identifiers: Orphanet 572, MedGen C5447452, MONDO:0008855.

Submission:

Labcorp Genetics (formerly Invitae), Labcorp
Classification: Uncertain significance for MHC class II deficiency. Last evaluated: 2022-05-17. Review status: criteria provided, single submitter. Criteria: Invitae Variant Classification Sherloc (09022015). Collection method: clinical testing. Allele origin: germline.
Comment: This sequence change replaces aspartic acid, which is acidic and polar, with glycine, which is neutral and non-polar, at codon 26 of the RFXANK protein (p.Asp26Gly). This variant is not present in population databases (gnomAD no frequency). This variant has not been reported in the literature in individuals affected with RFXANK-related conditions. Algorithms developed to predict the effect of missense changes on protein structure and function (SIFT, PolyPhen-2, Align-GVGD) all suggest that this variant is likely to be tolerated. In summary, the available evidence is currently insufficient to determine the role of this variant in disease. Therefore, it has been classified as a Variant of Uncertain Significance.

NM_003721.4(RFXANK):c.77A>G (p.Asp26Gly)

Gene: RFXANK (regulatory factor X associated ankyrin containing protein; plus strand). Cytogenetic location: 19p13.11.
Variant type: single nucleotide variant.
Coding change: c.77A>G on transcript NM_003721.4 (MANE Select); coding-DNA position 77, A replaced by G.
Protein change: p.Asp26Gly; replaces aspartic acid 26 with glycine.
Molecular consequence: missense variant.
Genome position (GRCh38, 1-based): chr19:19,194,023, A>G. VCF-style: chr19-19194023-A-G. GRCh37 (hg19) VCF-style: chr19-19304832-A-G.
Other names: c.77A>G, p.Asp26Gly (NM_001278727.2, NM_001278728.2, NM_001370233.1 and 6 more transcripts); short protein forms D26G.
Identifiers: ClinVar variation 2101799 (VCV002101799.4), dbSNP rs2512792651, ClinGen allele CA404889688.